The following is an entry in ClinVar:

NM_001159699.2(FHL1):c.684C>G (p.Cys228Trp)

Gene: FHL1 (four and a half LIM domains 1; plus strand). Cytogenetic location: Xq26.3.
Variant type: single nucleotide variant.
Coding change: c.684C>G on transcript NM_001159699.2 (MANE Select); coding-DNA position 684, C replaced by G.
Protein change: p.Cys228Trp; replaces cysteine 228 with tryptophan.
Molecular consequence: missense variant. On other transcripts: non-coding transcript variant (1), intron variant (2).
Genome position (GRCh38, 1-based): chrX:136,208,589, C>G. VCF-style: chrX-136208589-C-G. GRCh37 (hg19) VCF-style: chrX-135290748-C-G.
Other names: c.636C>G, p.Cys212Trp (NM_001159700.2, NM_001159702.3, NM_001159704.1 and 8 more transcripts); c.723C>G, p.Cys241Trp (NM_001159701.2); c.501+628C>G (NM_001159703.2); c.549+628C>G (NM_001330659.2); short protein forms C241W, C212W, C228W.
Identifiers: ClinVar variation 1753098 (VCV001753098.2), dbSNP rs2521303421, ClinGen allele CA414608999.

ClinVar aggregate classification (germline): Uncertain significance (1 of 4 stars; one submission).

Conditions:
Cardiovascular phenotype. Identifiers: MedGen CN230736.

Submission:

Ambry Genetics
Classification: Uncertain significance for Cardiovascular phenotype. Last evaluated: 2020-09-28. Review status: criteria provided, single submitter. Criteria: Ambry Variant Classification Scheme 2023. Collection method: clinical testing. Allele origin: germline.
Comment: The p.C212W variant (also known as c.636C>G), located in coding exon 4 of the FHL1 gene, results from a C to G substitution at nucleotide position 636. The cysteine at codon 212 is replaced by tryptophan, an amino acid with highly dissimilar properties. This amino acid position is highly conserved in available vertebrate species. In addition, this alteration is predicted to be deleterious by in silico analysis. Since supporting evidence is limited at this time, the clinical significance of this alteration remains unclear.